The following is an entry in ClinVar:

ClinVar aggregate classification (germline): Uncertain significance (1 of 4 stars; one submission).

Conditions:
ANK3-related disorder. Also called: ANK3-related condition.

gnomAD v4.1: 27 of 1,614,036 alleles (0.0017%); highest among the groups gnomAD compares: Non-Finnish European, 0.0023%; no homozygotes.

Submission:

Clinical Genomics Laboratory, Washington University in St. Louis
Classification: Uncertain significance for ANK3-related disorders. Last evaluated: 2024-12-16. Review status: criteria provided, single submitter. Criteria: ACMG Guidelines, 2015. Collection method: clinical testing. Allele origin: germline.
Comment: The ANK3 c.11638C>T (p.His3880Tyr) variant, to our knowledge, has not been reported in the medical literature. This variant is only observed on 2/251,252 alleles in the general population (gnomAD v.2.1.1), indicating it is not a common variant. This variant only impacts the largest ANK3 isoform 1 (480 kDa). Missense variants in the same exon have been identified in multiple individuals with autism spectrum disorder (Yoon S et al., PMID: 35794211). Computational predictors suggest that the variant does not impact ANK3 function. Due to significant transcriptional complexity of this locus (Holmgren A et al., PMID: 35091539), it is unclear whether this single variant results in sufficient disruption of the ANK3 function (if at all) to be clinically significant. Based on available information and the ACMG/AMP guidelines for variant interpretation (Richards S et al., PMID: 25741868), this variant is classified as variant of uncertain significance.

NM_020987.5(ANK3):c.11638C>T (p.His3880Tyr)

Gene: ANK3 (ankyrin 3; minus strand). Cytogenetic location: 10q21.2.
Variant type: single nucleotide variant.
Coding change: c.11638C>T on transcript NM_020987.5 (MANE Select); coding-DNA position 11638, C replaced by T.
Protein change: p.His3880Tyr; replaces histidine 3880 with tyrosine.
Molecular consequence: missense variant. On other transcripts: intron variant (4).
Genome position (GRCh38, 1-based): chr10:60,069,243, G>A on the plus strand (C>T on the coding strand, the complement: ANK3 is on the minus strand). VCF-style: chr10-60069243-G-A. GRCh37 (hg19) VCF-style: chr10-61829001-G-A.
Other names: c.4388-1234C>T (NM_001204403.2); c.4409-1234C>T (NM_001204404.2); c.4406-1234C>T (NM_001320874.2); c.1808-1234C>T (NM_001149.4); short protein forms H3880Y.
Identifiers: ClinVar variation 3600530 (VCV003600530.1).